The following is an entry in ClinVar:

NM_005591.4(MRE11):c.924C>A (p.Phe308Leu)

Gene: MRE11 (MRE11 double strand break repair nuclease; minus strand). Cytogenetic location: 11q21.
Variant type: single nucleotide variant.
Coding change: c.924C>A on transcript NM_005591.4 (MANE Select); coding-DNA position 924, C replaced by A.
Protein change: p.Phe308Leu; replaces phenylalanine 308 with leucine.
Molecular consequence: missense variant.
Genome position (GRCh38, 1-based): chr11:94,470,564, G>T on the plus strand (C>A on the coding strand, the complement: MRE11 is on the minus strand). VCF-style: chr11-94470564-G-T. GRCh37 (hg19) VCF-style: chr11-94203730-G-T.
Other names: c.924C>A, p.Phe308Leu (NM_001330347.2, NM_005590.4); short protein forms F308L.
Identifiers: ClinVar variation 231767 (VCV000231767.16), dbSNP rs138595973, ClinGen allele CA6235262.

ClinVar aggregate classification (germline): Uncertain significance. Review status: criteria provided, multiple submitters, no conflicts (2 of 4 stars). 5 submissions from 5 submitters: Uncertain significance (5). Last evaluated 2025-07-24.

Conditions:
Hereditary cancer-predisposing syndrome. Also called: Neoplastic Syndromes, Hereditary; Tumor predisposition; Hereditary Cancer Syndrome; Hereditary neoplastic syndrome. Identifiers: Orphanet 140162, MedGen C0027672, MeSH D009386, MONDO:0015356.
MRE11-related disorder. Also called: MRE11-related condition.
Ataxia-telangiectasia-like disorder 1 (ATLD1). Identifiers: Orphanet 251347, MedGen C4012790, MONDO:0024557, OMIM 604391.
Ataxia-telangiectasia-like disorder (ATLD). Identifiers: MedGen C1858391, MONDO:0011457.

gnomAD v4.1: 16 of 1,613,182 alleles (0.00099%); highest among the groups gnomAD compares: African/African-American, 0.015%; no homozygotes.

Submissions (5):

Ambry Genetics
Classification: Uncertain significance for Hereditary cancer-predisposing syndrome. Last evaluated: 2025-07-24. Review status: criteria provided, single submitter. Criteria: Ambry Variant Classification Scheme 2023. Collection method: clinical testing. Allele origin: germline.
Comment: The p.F308L variant (also known as c.924C>A), located in coding exon 8 of the MRE11A gene, results from a C to A substitution at nucleotide position 924. The phenylalanine at codon 308 is replaced by leucine, an amino acid with highly similar properties. This amino acid position is not well conserved in available vertebrate species. In addition, this alteration is predicted to be tolerated by in silico analysis. Since supporting evidence is limited at this time, the clinical significance of this alteration remains unclear.

GeneDx
Classification: Uncertain significance. Last evaluated: 2025-01-31. Review status: criteria provided, single submitter. Criteria: GeneDx Variant Classification Process June 2021. Collection method: clinical testing. Allele origin: germline. Affected: yes.
Comment: In silico analysis indicates that this missense variant does not alter protein structure/function; Has not been previously published as pathogenic or benign to our knowledge

Labcorp Genetics (formerly Invitae), Labcorp
Classification: Uncertain significance for Ataxia-telangiectasia-like disorder. Last evaluated: 2025-01-26. Review status: criteria provided, single submitter. Criteria: Invitae Variant Classification Sherloc (09022015). Collection method: clinical testing. Allele origin: germline.
Comment: This sequence change replaces phenylalanine, which is neutral and non-polar, with leucine, which is neutral and non-polar, at codon 308 of the MRE11 protein (p.Phe308Leu). This variant is present in population databases (rs138595973, gnomAD 0.02%). This variant has not been reported in the literature in individuals affected with MRE11-related conditions. ClinVar contains an entry for this variant (Variation ID: 231767). An algorithm developed to predict the effect of missense changes on protein structure and function (PolyPhen-2) suggests that this variant is likely to be tolerated. In summary, the available evidence is currently insufficient to determine the role of this variant in disease. Therefore, it has been classified as a Variant of Uncertain Significance.

Fulgent Genetics
Classification: Uncertain significance for Ataxia-telangiectasia-like disorder 1. Last evaluated: 2024-05-02. Review status: criteria provided, single submitter. Criteria: ACMG Guidelines, 2015. Collection method: clinical testing. Allele origin: germline.

PreventionGenetics, part of Exact Sciences
Classification: Uncertain significance for MRE11-related condition. Last evaluated: 2023-06-02. Review status: criteria provided, single submitter. Criteria: ACMG Guidelines, 2015. Collection method: clinical testing. Allele origin: germline.
Comment: The MRE11 c.924C>A variant is predicted to result in the amino acid substitution p.Phe308Leu. To our knowledge, this variant has not been reported in the literature. This variant is reported in 0.016% of alleles in individuals of African descent in gnomAD. In the ClinVar database, this variant has been listed 'uncertain' by outside laboratories. At this time, the clinical significance of this variant is uncertain due to the absence of conclusive functional and genetic evidence.